The following is an entry in ClinVar:

ClinVar aggregate classification (germline): Uncertain significance. Review status: criteria provided, multiple submitters, no conflicts (2 of 4 stars). 2 submissions from 2 submitters: Uncertain significance (2). Last evaluated 2021-04-06.

Conditions:
Inborn genetic diseases. Identifiers: MedGen C0950123, MeSH D030342.

Submissions (2):

Laboratorio de Genetica e Diagnostico Molecular, Hospital Israelita Albert Einstein
Classification: Uncertain significance. Last evaluated: 2021-04-06. Review status: criteria provided, single submitter. Criteria: ACMG Guidelines, 2015. Collection method: clinical testing. Allele origin: germline. Affected: yes.
Comment: ACMG classification criteria: PM2

Ambry Genetics
Classification: Uncertain significance for Inborn genetic diseases. Last evaluated: 2017-12-27. Review status: criteria provided, single submitter. Criteria: Ambry Variant Classification Scheme 2023. Collection method: clinical testing. Allele origin: germline.
Comment: The p.A289V variant (also known as c.866C>T), located in coding exon 3 of the PIGA gene, results from a C to T substitution at nucleotide position 866. The alanine at codon 289 is replaced by valine, an amino acid with similar properties. This amino acid position is well conserved in available vertebrate species. In addition, this alteration is predicted to be tolerated by in silico analysis. Since supporting evidence is limited at this time, the clinical significance of this alteration remains unclear.

NM_002641.4(PIGA):c.866C>T (p.Ala289Val)

Gene: PIGA (phosphatidylinositol glycan anchor biosynthesis class A; minus strand). Cytogenetic location: Xp22.2.
Variant type: single nucleotide variant.
Coding change: c.866C>T on transcript NM_002641.4 (MANE Select); coding-DNA position 866, C replaced by T.
Protein change: p.Ala289Val; replaces alanine 289 with valine.
Molecular consequence: missense variant. On other transcripts: non-coding transcript variant (2).
Genome position (GRCh38, 1-based): chrX:15,325,135, G>A on the plus strand (C>T on the coding strand, the complement: PIGA is on the minus strand). VCF-style: chrX-15325135-G-A. GRCh37 (hg19) VCF-style: chrX-15343257-G-A.
Other names: c.164C>T, p.Ala55Val (NM_020473.3); c.866C>T (NM_002641.3); short protein forms A289V, A55V.
Identifiers: ClinVar variation 1690625 (VCV001690625.4), dbSNP rs2147717729, ClinGen allele CA412336690.
Genomic context (GRCh38, chrX:15,325,135, plus strand): 5'-GAGGTATTCAGAAAAATATGTCCTTGAACTAAGACATTTCTAACATCCTTGTGTTCTAAA[G>A]CTCCCAAAAGACGCACCCTGATTTTTTAAATGAGAGGGGAAGAAAGGAGTGAAAACTCAT-3'
Protein context (NP_002632.1, residues 279-299): QLHDRVRLLG[Ala289Val]LEHKDVRNVL